The following is an entry in ClinVar:

NM_000169.3(GLA):c.655del (p.Ile219fs)

Genes: GLA (galactosidase alpha; minus strand), RPL36A-HNRNPH2 (RPL36A-HNRNPH2 readthrough; plus strand). Cytogenetic location: Xq22.1.
Variant type: Deletion.
Coding change: c.655del on transcript NM_000169.3 (MANE Select); coding-DNA position 655, one base deleted (A; older notation c.655delA).
Protein change: p.Ile219fs; shifts the reading frame from isoleucine 219.
Molecular consequence: frameshift variant. On other transcripts: non-coding transcript variant (3), intron variant (2).
Genome position (GRCh38, 1-based): chrX:101,398,931, T deleted on the plus strand (A on the coding strand, the reverse complement: GLA is on the minus strand); the first of 3 consecutive T bases (chrX:101,398,931-101,398,933); deleting any one gives the same sequence. VCF-style (leftmost placement, unchanged base first): chrX-101398930-AT-A. GRCh37 (hg19) VCF-style: chrX-100653918-AT-A.
Other names: c.778del, p.Ile260fs (NM_001406747.1); c.655del, p.Ile219fs (NM_001406748.1); c.300+3476del (NM_001199973.2); c.177+7111del (NM_001199974.2); short protein forms I219fs, I260fs.
Identifiers: ClinVar variation 4086988 (VCV004086988.2).

ClinVar aggregate classification (germline): Pathogenic (1 of 4 stars; one submission).

Conditions:
Fabry disease. Also called: ALPHA-GALACTOSIDASE A DEFICIENCY; ANDERSON-FABRY DISEASE; CERAMIDE TRIHEXOSIDASE DEFICIENCY; GLA DEFICIENCY; HEREDITARY DYSTOPIC LIPIDOSIS; Angiokeratoma corporis diffusum. Identifiers: Orphanet 324, MedGen C0002986, MONDO:0010526, OMIM 301500, HP:0001071. Disease mechanism: Fabry disease is due to inactivating mutations in the X-linked GLA gene resulting in deficiency of the enzyme Alpha Galactosidase-A., loss of function.

Submission:

Genomenon, Inc
Classification: Pathogenic for Fabry disease. Last evaluated: 2026-09-08. Review status: criteria provided, single submitter. Criteria: Genomenon Sequence Variant Interpretation Standards - Updated. Collection method: curation. Allele origin: germline. Affected: yes.
Comment: GLA p.Ile219SerfsTer21 (c.655del) is a frameshift variant that is predicted to introduce a premature termination codon and result in a truncated or absent protein product. This variant has been observed in at least one proband with clinical features consistent with Fabry disease (PMID:31478997). It is absent or not present at a significant frequency in gnomAD. In conclusion, we classify GLA p.Ile219SerfsTer21 (c.655del) as a pathogenic variant.

Literature cited by the submitters: PubMed 31478997.